The following is an entry in ClinVar:

ClinVar aggregate classification (germline): Likely pathogenic (1 of 4 stars; one submission).

Conditions:
Hereditary breast ovarian cancer syndrome. Also called: Hereditary breast and ovarian cancer syndrome; Hereditary breast and ovarian cancer; Hereditary breast and ovarian cancer syndrome (HBOC); Breast and ovarian cancer; Hereditary breast and/or ovarian cancer syndrome; BRCA1- and BRCA2-Associated Hereditary Breast and Ovarian Cancer. Identifiers: Orphanet 145, MedGen C0677776, MeSH D061325, MONDO:0003582. Disease mechanism: loss of function.

Submission:

Laboratory for Molecular Medicine, Mass General Brigham Personalized Medicine
Classification: Likely pathogenic for Hereditary breast ovarian cancer syndrome. Last evaluated: 2019-10-14. Review status: criteria provided, single submitter. Criteria: ACMG Guidelines, 2015. Collection method: clinical testing. Allele origin: germline.
Comment: The p.Ala1572GlyfsX10 variant in BRCA2 has not been previously reported in individuals with hereditary breast and/or ovarian cancer (HBOC) and was absent from large population studies. This variant is predicted to cause a frameshift, which alters the protein’s amino acid sequence beginning at position 1572 and leads to a premature termination codon 10 amino acids downstream. This alteration is then predicted to lead to a truncated or absent protein. Loss of function of the BRCA2 gene is an established disease mechanism in autosomal dominant HBOC. In summary, although additional studies are required to fully establish its clinical significance, this variant meets criteria to be classified as likely pathogenic for autosomal dominant HBOC. ACMG/AMP Criteria applied: PVS1, PM2.

NM_000059.4(BRCA2):c.4714_4715insGCAAAGAC (p.Ala1572fs)

Gene: BRCA2 (BRCA2 DNA repair associated; plus strand). Cytogenetic location: 13q13.1.
Variant type: Insertion.
Coding change: c.4714_4715insGCAAAGAC on transcript NM_000059.4 (MANE Select); coding-DNA positions 4714 to 4715, GCAAAGAC inserted.
Protein change: p.Ala1572fs; shifts the reading frame from alanine 1572.
Molecular consequence: frameshift variant.
Genome position: GRCh38 VCF-style: chr13-32339069-G-GGCAAAGAC. GRCh37 (hg19) VCF-style: chr13-32913206-G-GGCAAAGAC.
Other names: short protein forms A1572fs.
Identifiers: ClinVar variation 3075785 (VCV003075785.1), dbSNP rs2548529169, ClinGen allele CA2695217879.
Genomic context (GRCh38, chr13:32,339,069, plus strand): 5'-GGTACTAGTGAAATCACCAGTTTTAGCCATCAATGGGCAAAGACCCTAAAGTACAGAGAG[G>GGCAAAGAC]CCTGTAAAGACCTTGAATTAGCATGTGAGACCATTGAGATCACAGCTGCCCCAAAGTGTA-3'